The following is an entry in ClinVar:

ClinVar aggregate classification (germline): Likely pathogenic (1 of 4 stars; one submission).

Submission:

GeneDx
Classification: Likely pathogenic. Last evaluated: 2017-10-23. Review status: criteria provided, single submitter. Criteria: GeneDx Variant Classification (06012015). Collection method: clinical testing. Allele origin: germline. Affected: yes.
Comment: The L1517Q variant in the RERE gene has not been reported previously as a pathogenic variant, nor as a benign variant, to our knowledge. The variant is not observed in large population cohorts (Lek et al., 2016). The variant is a non-conservative amino acid substitution, which is likely to impact secondary protein structure as these residues differ in polarity, charge, size and/or other properties. This substitution occurs at a position that is conserved across species. In silico analysis predicts this variant is probably damaging to the protein structure/function. We interpret L1517Q as a likely pathogenic variant.

NM_001042681.2(RERE):c.4550T>A (p.Leu1517Gln)

Gene: RERE (arginine-glutamic acid dipeptide repeats; minus strand). Cytogenetic location: 1p36.23.
Variant type: single nucleotide variant.
Coding change: c.4550T>A on transcript NM_001042681.2 (MANE Select); coding-DNA position 4550, T replaced by A.
Protein change: p.Leu1517Gln; replaces leucine 1517 with glutamine.
Molecular consequence: missense variant.
Genome position (GRCh38, 1-based): chr1:8,355,536, A>T on the plus strand (T>A on the coding strand, the complement: RERE is on the minus strand). VCF-style: chr1-8355536-A-T. GRCh37 (hg19) VCF-style: chr1-8415596-A-T.
Other names: c.2888T>A, p.Leu963Gln (NM_001042682.2); c.4550T>A, p.Leu1517Gln (NM_012102.4); short protein forms L1517Q, L963Q.
Identifiers: ClinVar variation 452752 (VCV000452752.2), dbSNP rs1553153669, ClinGen allele CA338168244.